The following is an entry in ClinVar:

ClinVar aggregate classification (germline): Pathogenic. Review status: criteria provided, multiple submitters, no conflicts (2 of 4 stars). 7 submissions from 7 submitters: Pathogenic (7). Last evaluated 2025-07-08.

Conditions:
Ichthyosis linearis circumflexa. Identifiers: MedGen C0265962, MONDO:0043106, HP:0025810.
SPINK5-related disorder. Also called: SPINK5-related condition.
Netherton syndrome (NETH). Also called: NETHERTON DISEASE; ERYTHRODERMA, ICHTHYOSIFORM, WITH HYPOTRICHOSIS AND HYPER-IgE; COMEL-NETHERTON SYNDROME. Identifiers: Orphanet 634, MedGen C5574950, MONDO:0009735, OMIM 256500.

Allele frequency attached by ClinVar (database versions not stated): gnomAD 0.00003; TOPMed 0.00003; gnomAD exomes 0.00005.
gnomAD v4.1: 77 of 1,612,116 alleles (0.0048%); highest among the groups gnomAD compares: Non-Finnish European, 0.0059%; no homozygotes.

Submissions (7):

PreventionGenetics, part of Exact Sciences
Classification: Pathogenic for SPINK5-related condition. Last evaluated: 2025-07-08. Review status: criteria provided, single submitter. Criteria: ACMG Guidelines, 2015. Collection method: clinical testing. Allele origin: germline.
Comment: The SPINK5 c.1048C>T variant is predicted to result in premature protein termination (p.Arg350*). This variant has been reported in the compound heterozygous state in an individual with hereditary ichthyosis (Cheng et al. 2020. PubMed ID: 31953843) and in the homozygous state in an individual with a clinical suspicion of an inborn error of immunity with features including congenital ichthyosiform erythroderma, brittle hair, palmar and plantar hyperkeratosis, otitis media, recurrent pneumonia and failure to thrive (Supplemental Table 2, Suspitsin et al. 2020. PubMed ID: 32441320). This variant is reported in 0.0047% of alleles in individuals of European (Non-Finnish) descent in gnomAD. Nonsense variants in SPINK5 are expected to be pathogenic. This variant is interpreted as pathogenic.

Laboratory of Genetics, Children's Clinical University Hospital Latvia
Classification: Pathogenic. Last evaluated: 2025-02-16. Review status: criteria provided, single submitter. Criteria: ACMG Guidelines, 2015. Collection method: clinical testing. Allele origin: germline. Affected: yes.

Labcorp Genetics (formerly Invitae), Labcorp
Classification: Pathogenic for Ichthyosis linearis circumflexa. Last evaluated: 2025-02-02. Review status: criteria provided, single submitter. Criteria: Invitae Variant Classification Sherloc (09022015). Collection method: clinical testing. Allele origin: germline.
Comment: This sequence change creates a premature translational stop signal (p.Arg350*) in the SPINK5 gene. It is expected to result in an absent or disrupted protein product. Loss-of-function variants in SPINK5 are known to be pathogenic (PMID: 11511292, 11841556). This variant is present in population databases (no rsID available, gnomAD 0.005%). This premature translational stop signal has been observed in individuals with Netherton syndrome (PMID: 18577046, 30477583, 31953843, 32441320). ClinVar contains an entry for this variant (Variation ID: 449101). For these reasons, this variant has been classified as Pathogenic.

3billion
Classification: Pathogenic for Netherton syndrome. Last evaluated: 2024-11-05. Review status: criteria provided, single submitter. Criteria: ACMG Guidelines, 2015. Collection method: clinical testing. Allele origin: germline. Affected: yes.
Comment: The variant is observed at an extremely low frequency in the gnomAD v4.1.0 dataset (total allele frequency: 0.005%). Predicted Consequence/Location: Stop-gained (nonsense): predicted to result in a loss or disruption of normal protein function through nonsense-mediated decay (NMD) or protein truncation. Multiple pathogenic variants are reported downstream of the variant. The variant has been observed in at least two similarly affected unrelated individuals (PMID: 18577046, 30477583). The variant has been reported at least twice as pathogenic with clinical assertions and evidence for the classification (ClinVar ID: VCV000449101 /PMID: 18577046 /3billion dataset). Therefore, this variant is classified as Pathogenic according to the recommendation of ACMG/AMP guideline.

GeneDx
Classification: Pathogenic. Last evaluated: 2024-01-09. Review status: criteria provided, single submitter. Criteria: GeneDx Variant Classification Process June 2021. Collection method: clinical testing. Allele origin: germline. Affected: yes.
Comment: Nonsense variant predicted to result in protein truncation or nonsense mediated decay in a gene for which loss of function is a known mechanism of disease; This variant is associated with the following publications: (PMID: 33969388, 25525159, 27905021, 32441320, 37102386, 33534181, 31953843, 30477583, 34543653, 26865388, 34909712, 18577046)

Blueprint Genetics
Classification: Pathogenic for SPINK5-related disorders. Last evaluated: 2022-11-07. Review status: criteria provided, single submitter. Criteria: ACMG Guidelines, 2015. Collection method: clinical testing. Allele origin: germline. Affected: yes. Observed: 5 variant alleles.

Kasturba Medical College, Manipal, Kasturba Medical College, Manipal, Manipal Academy of Higher Education, Manipal, India
Classification: Pathogenic for Netherton syndrome. Review status: criteria provided, single submitter. Criteria: ACMG Guidelines, 2015. Collection method: clinical testing. Allele origin: biparental. Inheritance: Autosomal recessive inheritance. Affected: yes. Observed: 1 compound heterozygote.
Comment: The maternally inherited variant c.1048C>T has been reported in homozygous state in seven individuals and in a compound heterozygous state with a splice site variant (c.1430+4A>G) in two individuals with Netherton syndrome (Nartisa et al., 2023). This sequence change introduces a premature stop codon that may result in a truncated protein or transcript that may undergo nonsense-mediated mRNA decay.

Literature cited by the submitters: PubMed 11511292 (cited by Labcorp Genetics (formerly Invitae), Labcorp); PubMed 11841556 (cited by Labcorp Genetics (formerly Invitae), Labcorp); PubMed 18577046 (cited by Labcorp Genetics (formerly Invitae), Labcorp and 3billion); PubMed 30477583 (cited by Labcorp Genetics (formerly Invitae), Labcorp and 3billion); PubMed 31953843 (cited by Labcorp Genetics (formerly Invitae), Labcorp); PubMed 32441320 (cited by Labcorp Genetics (formerly Invitae), Labcorp).

NM_006846.4(SPINK5):c.1048C>T (p.Arg350Ter)

Gene: SPINK5 (serine peptidase inhibitor Kazal type 5; plus strand). Cytogenetic location: 5q32.
Variant type: single nucleotide variant.
Coding change: c.1048C>T on transcript NM_006846.4 (MANE Select); coding-DNA position 1048, C replaced by T.
Protein change: p.Arg350Ter; replaces arginine 350 with a stop codon.
Molecular consequence: nonsense.
Genome position (GRCh38, 1-based): chr5:148,099,271, C>T. VCF-style: chr5-148099271-C-T. GRCh37 (hg19) VCF-style: chr5-147478834-C-T.
Other names: c.1048C>T, p.Arg350Ter (NM_001127698.2, NM_001127699.2); short protein forms R350*.
Identifiers: ClinVar variation 449101 (VCV000449101.20), dbSNP rs373463881, ClinGen allele CA361635759.